The following is an entry in ClinVar:

ClinVar aggregate classification (germline): Uncertain significance (1 of 4 stars; one submission).

Conditions:
DNMT1-related disorder. Also called: DNMT1-related condition. Identifiers: MedGen CN381527.

Submission:

PreventionGenetics, part of Exact Sciences
Classification: Uncertain significance for DNMT1-related condition. Last evaluated: 2026-07-22. Review status: criteria provided, single submitter. Criteria: ACMG Guidelines, 2015. Collection method: clinical testing. Allele origin: germline.
Comment: The DNMT1 c.3175T>C variant is predicted to result in the amino acid substitution p.Tyr1059His. To our knowledge, this variant has not been reported in the literature or in a large population database (gnomAD), indicating this variant is rare. At this time, the clinical significance of this variant is uncertain due to the absence of conclusive functional and genetic evidence.

NM_001130823.3(DNMT1):c.3175T>C (p.Tyr1059His)

Gene: DNMT1 (DNA methyltransferase 1; minus strand). Cytogenetic location: 19p13.2.
Variant type: single nucleotide variant.
Coding change: c.3175T>C on transcript NM_001130823.3 (MANE Select); coding-DNA position 3175, T replaced by C.
Protein change: p.Tyr1059His; replaces tyrosine 1059 with histidine.
Molecular consequence: missense variant.
Genome position (GRCh38, 1-based): chr19:10,142,162, A>G on the plus strand (T>C on the coding strand, the complement: DNMT1 is on the minus strand). VCF-style: chr19-10142162-A-G. GRCh37 (hg19) VCF-style: chr19-10252838-A-G.
Other names: c.3127T>C, p.Tyr1043His (NM_001318730.2, NM_001379.4); c.2812T>C, p.Tyr938His (NM_001318731.2); short protein forms Y938H, Y1043H, Y1059H.
Identifiers: ClinVar variation 5001516 (VCV005001516.1).